The following is an entry in ClinVar:

ClinVar aggregate classification (germline): Likely benign (1 of 4 stars; one submission).

Conditions:
Pancreatic cancer, susceptibility to, 1. Identifiers: Orphanet 1333, MedGen C1847351, MONDO:0011739, OMIM 606856.

Allele frequency attached by ClinVar (database versions not stated): gnomAD 0.00006 and 0.00007; TOPMed 0.00006; ExAC 0.00007; ESP Exome Variant Server 0.00008; gnomAD exomes 0.00008 and 0.00009.
gnomAD v4.1: 134 of 1,614,028 alleles (0.0083%); highest among the groups gnomAD compares: Middle Eastern, 0.049%; no homozygotes.

Submission:

Illumina Laboratory Services, Illumina
Classification: Likely benign for Pancreatic cancer, susceptibility to, 1. Last evaluated: 2018-01-13. Review status: criteria provided, single submitter. Criteria: ICSL Variant Classification Criteria 13 December 2019. Collection method: clinical testing. Allele origin: germline.
Comment: This variant was observed in the ICSL laboratory as part of a predisposition screen in an ostensibly healthy population. It had not been previously curated by ICSL or reported in the Human Gene Mutation Database (HGMD: prior to June 1st, 2018), and was therefore a candidate for classification through an automated scoring system. Utilizing variant allele frequency, disease prevalence and penetrance estimates, and inheritance mode, an automated score was calculated to assess if this variant is too frequent to cause the disease. Based on the score and internal cut-off values, a variant classified as likely benign is not then subjected to further curation. The score for this variant resulted in a classification of likely benign for this disease.

NM_001166108.2(PALLD):c.413G>A (p.Arg138Gln)

Gene: PALLD (palladin, cytoskeletal associated protein; plus strand). Cytogenetic location: 4q32.3.
Variant type: single nucleotide variant.
Coding change: c.413G>A on transcript NM_001166108.2 (MANE Select); coding-DNA position 413, G replaced by A.
Protein change: p.Arg138Gln; replaces arginine 138 with glutamine.
Molecular consequence: missense variant.
Genome position (GRCh38, 1-based): chr4:168,511,917, G>A. VCF-style: chr4-168511917-G-A. GRCh37 (hg19) VCF-style: chr4-169433068-G-A.
Other names: c.413G>A, p.Arg138Gln (NM_016081.4); short protein forms R138Q.
Identifiers: ClinVar variation 809701 (VCV000809701.15), dbSNP rs138665337, ClinGen allele CA3135363.
Genomic context (GRCh38, chr4:168,511,917, plus strand): 5'-CAAAGAGGAAACCTGCCATGTCACCCCTGCTCACCAGGCCCAGCTACATCCGGAGCCTCC[G>A]AAAGGCTGAAAAGCGTGGTGCAAAAACTCCCAGCACAAACGTAAAGCCCAAAACGCCACA-3'
Protein context (NP_001159580.1, residues 128-148): LTRPSYIRSL[Arg138Gln]KAEKRGAKTP